The following is an entry in ClinVar:

ClinVar aggregate classification (germline): Uncertain significance. Review status: criteria provided, multiple submitters, no conflicts (2 of 4 stars). 2 submissions from 2 submitters: Uncertain significance (2). Last evaluated 2024-04-15.

Conditions:
Myofibrillar myopathy 6. Identifiers: Orphanet 199340, MedGen C2751831, MONDO:0013061, OMIM 612954.
Dilated cardiomyopathy 1HH (CMD1HH). Identifiers: Orphanet 154, MedGen C3151293, MONDO:0013479, OMIM 613881.

Allele frequency attached by ClinVar (database versions not stated): TOPMed below 0.00001; gnomAD 0.00001; gnomAD exomes 0.00001; ExAC 0.00002.
gnomAD v4.1: 9 of 1,613,900 alleles (0.00056%); highest among the groups gnomAD compares: Non-Finnish European, 0.00076%; no homozygotes.

Submissions (2):

GeneDx
Classification: Uncertain significance. Last evaluated: 2024-04-15. Review status: criteria provided, single submitter. Criteria: GeneDx Variant Classification Process June 2021. Collection method: clinical testing. Allele origin: germline. Affected: yes.
Comment: Not observed at significant frequency in large population cohorts (gnomAD); In silico analysis supports that this missense variant has a deleterious effect on protein structure/function; Has not been previously published as pathogenic or benign to our knowledge

Labcorp Genetics (formerly Invitae), Labcorp
Classification: Uncertain significance for Dilated cardiomyopathy 1HH; Myofibrillar myopathy 6. Last evaluated: 2023-09-10. Review status: criteria provided, single submitter. Criteria: Invitae Variant Classification Sherloc (09022015). Collection method: clinical testing. Allele origin: germline.
Comment: This variant is present in population databases (rs750426195, gnomAD 0.002%). In summary, the available evidence is currently insufficient to determine the role of this variant in disease. Therefore, it has been classified as a Variant of Uncertain Significance. Advanced modeling of protein sequence and biophysical properties (such as structural, functional, and spatial information, amino acid conservation, physicochemical variation, residue mobility, and thermodynamic stability) performed at Invitae indicates that this missense variant is not expected to disrupt BAG3 protein function. This variant has not been reported in the literature in individuals affected with BAG3-related conditions. This sequence change replaces glycine, which is neutral and non-polar, with serine, which is neutral and polar, at codon 197 of the BAG3 protein (p.Gly197Ser).

NM_004281.4(BAG3):c.589G>A (p.Gly197Ser)

Gene: BAG3 (BAG cochaperone 3; plus strand). Cytogenetic location: 10q26.11.
Variant type: single nucleotide variant.
Coding change: c.589G>A on transcript NM_004281.4 (MANE Select); coding-DNA position 589, G replaced by A.
Protein change: p.Gly197Ser; replaces glycine 197 with serine.
Molecular consequence: missense variant.
Genome position (GRCh38, 1-based): chr10:119,672,336, G>A. VCF-style: chr10-119672336-G-A. GRCh37 (hg19) VCF-style: chr10-121431848-G-A.
Other names: short protein forms G197S.
Identifiers: ClinVar variation 2950034 (VCV002950034.4), dbSNP rs750426195, ClinGen allele CA5716373.